The following is an entry in ClinVar:

NM_001374736.1(DST):c.21532-12T>C

Gene: DST (dystonin; minus strand). Cytogenetic location: 6p12.1.
Variant type: single nucleotide variant.
Coding change: c.21532-12T>C on transcript NM_001374736.1 (MANE Select); 12 bases into the intron before coding-DNA position 21532, T replaced by C.
Molecular consequence: intron variant.
Genome position (GRCh38, 1-based): chr6:56,477,500, A>G on the plus strand (T>C on the coding strand, the complement: DST is on the minus strand). VCF-style: chr6-56477500-A-G. GRCh37 (hg19) VCF-style: chr6-56342298-A-G.
Other names: c.15175-12T>C (NM_001144769.5); c.21532-12T>C (NM_001374722.1); c.21559-12T>C (NM_001374734.1); c.14761-12T>C (NM_001144770.2); c.14314-12T>C (NM_001374730.1); c.14641-12T>C (NM_001386100.1, NM_183380.4); c.20572-12T>C (NM_001374729.1); c.13663-12T>C (NM_015548.5).
Identifiers: ClinVar variation 2025237 (VCV002025237.4), dbSNP rs2533593231, ClinGen allele CA2580075555.

ClinVar aggregate classification (germline): Uncertain significance (1 of 4 stars; one submission).

Conditions:
Epidermolysis bullosa simplex 3, localized or generalized intermediate, with BP230 deficiency (EBS3). Also called: Epidermolysis bullosa simplex due to BP230 deficiency; Epidermolysis bullosa simplex, autosomal recessive 2. Identifiers: Orphanet 412181, MedGen C3809470, MONDO:0014180, OMIM 615425.
Hereditary sensory and autonomic neuropathy type 6. Also called: HSAN VI; Neuropathy, hereditary sensory and autonomic, type VI. Identifiers: Orphanet 314381, MedGen C3539003, MONDO:0013839, OMIM 614653.

Submission:

Labcorp Genetics (formerly Invitae), Labcorp
Classification: Uncertain significance for Epidermolysis bullosa simplex 3, localized or generalized intermediate, with BP230 deficiency; Hereditary sensory and autonomic neuropathy type 6. Last evaluated: 2022-08-20. Review status: criteria provided, single submitter. Criteria: Invitae Variant Classification Sherloc (09022015). Collection method: clinical testing. Allele origin: germline.
Comment: Experimental studies and prediction algorithms are not available or were not evaluated, and the effect of this variant on mRNA splicing is currently unknown. This variant has not been reported in the literature in individuals affected with DST-related conditions. This variant is not present in population databases (gnomAD no frequency). This sequence change falls in intron 71 of the DST gene. It does not directly change the encoded amino acid sequence of the DST protein. The DST gene has multiple clinically relevant transcripts. This variant occurs in alternate transcript NM_015548.4, and corresponds to NM_001723.5:c.*138017T>C in the primary transcript. In summary, the available evidence is currently insufficient to determine the role of this variant in disease. Therefore, it has been classified as a Variant of Uncertain Significance.